The following is an entry in ClinVar:

ClinVar aggregate classification (germline): Likely benign. Review status: criteria provided, multiple submitters, no conflicts (2 of 4 stars). 3 submissions from 3 submitters: Likely benign (2). 1 of the submissions does not count toward it. Last evaluated 2024-10-09.

Conditions:
KMT2D-related disorder. Also called: KMT2D-Related Disorders.
Kabuki syndrome. Also called: Kabuki make-up syndrome; NIIKAWA-KUROKI SYNDROME. Identifiers: Orphanet 2322, MedGen C0796004, MONDO:0016512.

Allele frequency attached by ClinVar (database versions not stated): gnomAD exomes below 0.00001.
gnomAD v4.1: 5 of 1,614,040 alleles (0.00031%); highest among the groups gnomAD compares: East Asian, 0.0067%; no homozygotes.

Submissions (3):

Labcorp Genetics (formerly Invitae), Labcorp
Classification: Likely benign for Kabuki syndrome. Last evaluated: 2024-10-09. Review status: criteria provided, single submitter. Criteria: Invitae Variant Classification Sherloc (09022015). Collection method: clinical testing. Allele origin: germline.

Blueprint Genetics
Classification: Likely benign. Last evaluated: 2023-10-26. Review status: criteria provided, single submitter. Criteria: ACMG Guidelines, 2015. Collection method: clinical testing. Allele origin: germline.

PreventionGenetics, part of Exact Sciences
Classification: Likely benign for KMT2D-related condition. Last evaluated: 2021-12-28. Review status: no assertion criteria provided. Collection method: clinical testing. Allele origin: germline. Not counted in ClinVar's aggregate classification.
Comment: This variant is classified as likely benign based on ACMG/AMP sequence variant interpretation guidelines (Richards et al. 2015 PMID: 25741868, with internal and published modifications).

NM_003482.4(KMT2D):c.5241A>G (p.Glu1747=)

Gene: KMT2D (lysine methyltransferase 2D; minus strand). Cytogenetic location: 12q13.12.
Variant type: single nucleotide variant.
Coding change: c.5241A>G on transcript NM_003482.4 (MANE Select); coding-DNA position 5241, A replaced by G.
Protein change: p.Glu1747=; no amino-acid change (glutamic acid 1747 retained).
Molecular consequence: synonymous variant.
Genome position (GRCh38, 1-based): chr12:49,043,946, T>C on the plus strand (A>G on the coding strand, the complement: KMT2D is on the minus strand). VCF-style: chr12-49043946-T-C. GRCh37 (hg19) VCF-style: chr12-49437729-T-C.
Identifiers: ClinVar variation 743553 (VCV000743553.9), dbSNP rs950751488, ClinGen allele CA236612939.